The following is an entry in ClinVar:

NM_181882.3(PRX):c.1255A>T (p.Thr419Ser)

Gene: PRX (periaxin; minus strand). Cytogenetic location: 19q13.2.
Variant type: single nucleotide variant.
Coding change: c.1255A>T on transcript NM_181882.3 (MANE Select); coding-DNA position 1255, A replaced by T.
Protein change: p.Thr419Ser; replaces threonine 419 with serine.
Molecular consequence: missense variant. On other transcripts: 3 prime UTR variant (1).
Genome position (GRCh38, 1-based): chr19:40,397,097, T>A on the plus strand (A>T on the coding strand, the complement: PRX is on the minus strand). VCF-style: chr19-40397097-T-A. GRCh37 (hg19) VCF-style: chr19-40903004-T-A.
Other names: c.*1460A>T (NM_020956.2); short protein forms T419S.
Identifiers: ClinVar variation 662530 (VCV000662530.8), dbSNP rs766358380, ClinGen allele CA9444296.

ClinVar aggregate classification (germline): Uncertain significance (1 of 4 stars; one submission).

Conditions:
Charcot-Marie-Tooth disease type 4. Also called: Charcot-Marie-Tooth, Type 4; Charcot-Marie-Tooth disease, type IV. Identifiers: Orphanet 64749, MedGen C4082197, MONDO:0018995.

Allele frequency attached by ClinVar (database versions not stated): ExAC 0.00001; gnomAD exomes 0.00001; TOPMed 0.00001.
gnomAD v4.1: 3 of 1,614,058 alleles (0.00019%); highest among the groups gnomAD compares: African/African-American, 0.004%; no homozygotes.

Submission:

Labcorp Genetics (formerly Invitae), Labcorp
Classification: Uncertain significance for Charcot-Marie-Tooth disease type 4. Last evaluated: 2018-08-30. Review status: criteria provided, single submitter. Criteria: Invitae Variant Classification Sherloc (09022015). Collection method: clinical testing. Allele origin: germline.
Comment: This sequence change replaces threonine with serine at codon 419 of the PRX protein (p.Thr419Ser). The threonine residue is moderately conserved and there is a small physicochemical difference between threonine and serine. This variant is present in population databases (rs766358380, ExAC 0.01%). This variant has not been reported in the literature in individuals with PRX-related disease. Algorithms developed to predict the effect of missense changes on protein structure and function output the following: SIFT: "Tolerated"; PolyPhen-2: "Possibly Damaging"; Align-GVGD: "Class C0". The serine amino acid residue is found in multiple mammalian species, suggesting that this missense change does not adversely affect protein function. These predictions have not been confirmed by published functional studies and their clinical significance is uncertain. In summary, the available evidence is currently insufficient to determine the role of this variant in disease. Therefore, it has been classified as a Variant of Uncertain Significance.